The following is an entry in ClinVar:

NM_000322.5(PRPH2):c.656C>G (p.Pro219Arg)

Gene: PRPH2 (peripherin 2; minus strand). Cytogenetic location: 6p21.1.
Variant type: single nucleotide variant.
Coding change: c.656C>G on transcript NM_000322.5 (MANE Select); coding-DNA position 656, C replaced by G.
Protein change: p.Pro219Arg; replaces proline 219 with arginine.
Molecular consequence: missense variant.
Genome position (GRCh38, 1-based): chr6:42,704,537, G>C on the plus strand (C>G on the coding strand, the complement: PRPH2 is on the minus strand). VCF-style: chr6-42704537-G-C. GRCh37 (hg19) VCF-style: chr6-42672275-G-C.
Other names: short protein forms P219R.
Identifiers: ClinVar variation 98696 (VCV000098696.6), dbSNP rs61755808, ClinGen allele CA226287.

ClinVar aggregate classification (germline): Conflicting classifications of pathogenicity. Review status: criteria provided, conflicting classifications (1 of 4 stars). 5 submissions from 5 submitters: Pathogenic (1); Likely pathogenic (1); Uncertain significance (1). 2 of the submissions do not count toward it. Last evaluated 2024-04-30.

Conditions:
PRPH2-related disorder. Also called: PRPH2-related disorders; PRPH2-related condition. Identifiers: MedGen CN239395.
Retinal dystrophy. Also called: Inherited retinal dystrophy. Identifiers: Orphanet 71862, MedGen C0854723, MeSH D058499, MONDO:0019118, HP:0000556.

gnomAD v4.1: 15 of 1,614,196 alleles (0.00093%); highest among the groups gnomAD compares: Non-Finnish European, 0.0013%; no homozygotes.

Submissions (5):

Labcorp Genetics (formerly Invitae), Labcorp
Classification: Uncertain significance for PRPH2-related disorder. Last evaluated: 2024-04-30. Review status: criteria provided, single submitter. Criteria: Invitae Variant Classification Sherloc (09022015). Collection method: clinical testing. Allele origin: germline.
Comment: This sequence change replaces proline, which is neutral and non-polar, with arginine, which is basic and polar, at codon 219 of the PRPH2 protein (p.Pro219Arg). This variant is present in population databases (rs61755808, gnomAD 0.003%). This missense change has been observed in individual(s) with macular dystrophy or central areolar choroidal dystrophy (PMID: 9443872, 34411390). ClinVar contains an entry for this variant (Variation ID: 98696). Advanced modeling of protein sequence and biophysical properties (such as structural, functional, and spatial information, amino acid conservation, physicochemical variation, residue mobility, and thermodynamic stability) performed at Invitae indicates that this missense variant is expected to disrupt PRPH2 protein function with a positive predictive value of 95%. In summary, the available evidence is currently insufficient to determine the role of this variant in disease. Therefore, it has been classified as a Variant of Uncertain Significance.

Institute of Human Genetics, Univ. Regensburg, Univ. Regensburg
Classification: Pathogenic for Retinal dystrophy. Last evaluated: 2023-01-01. Review status: criteria provided, single submitter. Criteria: ACMG Guidelines, 2015. Collection method: clinical testing. Allele origin: germline. Affected: yes.

Blueprint Genetics
Classification: Likely pathogenic for PRPH2-related disorders. Last evaluated: 2022-10-13. Review status: criteria provided, single submitter. Criteria: ACMG Guidelines, 2015. Collection method: clinical testing. Allele origin: germline. Affected: yes. Observed: 2 variant alleles.

Leiden Open Variation Database
Classification: Likely pathogenic. Last evaluated: 2021-04-06. Review status: no assertion criteria provided. Collection method: curation. Allele origin: germline. Affected: yes. Not counted in ClinVar's aggregate classification.
Comment: Curator: Global Variome, with Curator vacancy. Submitter to LOVD: Manon Peeters.

Retina International
No classification provided. Review status: no classification provided. Collection method: not provided. Allele origin: not provided. Not counted in ClinVar's aggregate classification.

Literature cited by the submitters: PubMed 9443872 (cited by 3 submitters); PubMed 34411390 (cited by Labcorp Genetics (formerly Invitae), Labcorp and Institute of Human Genetics, Univ. Regensburg, Univ. Regensburg); PubMed 31964843 (cited by Institute of Human Genetics, Univ. Regensburg, Univ. Regensburg).